The following is an entry in ClinVar:

NM_172201.2(KCNE2):c.86A>T (p.Asn29Ile)

Genes: KCNE2 (potassium voltage-gated channel subfamily E regulatory subunit 2; plus strand), LOC105372791 (uncharacterized LOC105372791; minus strand). Cytogenetic location: 21q22.11.
Variant type: single nucleotide variant.
Coding change: c.86A>T on transcript NM_172201.2 (MANE Select); coding-DNA position 86, A replaced by T.
Protein change: p.Asn29Ile; replaces asparagine 29 with isoleucine.
Molecular consequence: missense variant.
Genome position (GRCh38, 1-based): chr21:34,370,564, A>T. VCF-style: chr21-34370564-A-T. GRCh37 (hg19) VCF-style: chr21-35742863-A-T.
Other names: short protein forms N29I.
Identifiers: ClinVar variation 1721226 (VCV001721226.6), dbSNP rs2516740780, ClinGen allele CA410196254.

ClinVar aggregate classification (germline): Uncertain significance (1 of 4 stars; one submission).

Conditions:
Long QT syndrome 6 (LQT6). Identifiers: Orphanet 101016, Orphanet 768, MedGen C3150953, MONDO:0013370, OMIM 613693.

Submission:

Labcorp Genetics (formerly Invitae), Labcorp
Classification: Uncertain significance for Long QT syndrome 6. Last evaluated: 2022-10-17. Review status: criteria provided, single submitter. Criteria: Invitae Variant Classification Sherloc (09022015). Collection method: clinical testing. Allele origin: germline.
Comment: This sequence change replaces asparagine, which is neutral and polar, with isoleucine, which is neutral and non-polar, at codon 29 of the KCNE2 protein (p.Asn29Ile). This variant is not present in population databases (gnomAD no frequency). This variant has not been reported in the literature in individuals affected with KCNE2-related conditions. Algorithms developed to predict the effect of missense changes on protein structure and function (SIFT, PolyPhen-2, Align-GVGD) all suggest that this variant is likely to be disruptive. In summary, the available evidence is currently insufficient to determine the role of this variant in disease. Therefore, it has been classified as a Variant of Uncertain Significance.